The following is an entry in ClinVar:

ClinVar aggregate classification (germline): Uncertain significance (1 of 4 stars; one submission).

Conditions:
Cardiovascular phenotype. Identifiers: MedGen CN230736.
Hereditary cancer-predisposing syndrome. Also called: Tumor predisposition; Hereditary neoplastic syndrome; Neoplastic Syndromes, Hereditary; Hereditary Cancer Syndrome. Identifiers: Orphanet 140162, MedGen C0027672, MeSH D009386, MONDO:0015356.

Submission:

Ambry Genetics
Classification: Uncertain significance for Cardiovascular phenotype; Hereditary cancer-predisposing syndrome. Last evaluated: 2025-04-14. Review status: criteria provided, single submitter. Criteria: Ambry Variant Classification Scheme 2023. Collection method: clinical testing. Allele origin: germline.
Comment: The p.E1811V variant (also known as c.5432A>T), located in coding exon 37 of the NF1 gene, results from an A to T substitution at nucleotide position 5432. The glutamic acid at codon 1811 is replaced by valine, an amino acid with dissimilar properties. This amino acid position is conserved. In addition, this alteration is predicted to be deleterious by in silico analysis. Based on the available evidence, the clinical significance of this variant remains unclear.

NM_001042492.3(NF1):c.5495A>T (p.Glu1832Val)

Gene: NF1 (neurofibromin 1; plus strand). Cytogenetic location: 17q11.2.
Variant type: single nucleotide variant.
Coding change: c.5495A>T on transcript NM_001042492.3 (MANE Select); coding-DNA position 5495, A replaced by T.
Protein change: p.Glu1832Val; replaces glutamic acid 1832 with valine.
Molecular consequence: missense variant.
Genome position (GRCh38, 1-based): chr17:31,327,725, A>T. VCF-style: chr17-31327725-A-T. GRCh37 (hg19) VCF-style: chr17-29654743-A-T.
Other names: c.5432A>T, p.Glu1811Val (NM_000267.4); short protein forms E1811V, E1832V.
Identifiers: ClinVar variation 4022629 (VCV004022629.1).